The following is an entry in ClinVar:

ClinVar aggregate classification (germline): Likely benign. Review status: criteria provided, multiple submitters, no conflicts (2 of 4 stars). 2 submissions from 2 submitters: Likely benign (2). Last evaluated 2025-07-31.

Allele frequency attached by ClinVar (database versions not stated): gnomAD exomes 0.00001; ExAC 0.00002; ESP Exome Variant Server 0.00008; 1000 Genomes Project 0.00040; 1000 Genomes Project 30x 0.00047.
gnomAD v4.1: 27 of 1,613,394 alleles (0.0017%); highest among the groups gnomAD compares: Admixed American, 0.012%; no homozygotes.

Submissions (2):

Mayo Clinic Laboratories, Mayo Clinic
Classification: Likely benign. Last evaluated: 2025-07-31. Review status: criteria provided, single submitter. Criteria: ACMG Guidelines, 2015. Collection method: clinical testing. Allele origin: germline. Observed: 1 variant allele.
Comment: BP4, BP7

Labcorp Genetics (formerly Invitae), Labcorp
Classification: Likely benign. Last evaluated: 2024-01-04. Review status: criteria provided, single submitter. Criteria: Invitae Variant Classification Sherloc (09022015). Collection method: clinical testing. Allele origin: germline.

NM_015378.4(VPS13D):c.11577G>A (p.Val3859=)

Gene: VPS13D (vacuolar protein sorting 13 homolog D; plus strand). Cytogenetic location: 1p36.22.
Variant type: single nucleotide variant.
Coding change: c.11577G>A on transcript NM_015378.4 (MANE Select); coding-DNA position 11577, G replaced by A.
Protein change: p.Val3859=; no amino-acid change (valine 3859 retained).
Molecular consequence: synonymous variant.
Genome position (GRCh38, 1-based): chr1:12,386,277, G>A. VCF-style: chr1-12386277-G-A. GRCh37 (hg19) VCF-style: chr1-12446336-G-A.
Other names: p.Val3859=; c.11502G>A, p.Val3834= (NM_018156.4).
Identifiers: ClinVar variation 2884538 (VCV002884538.4), dbSNP rs183347742, ClinGen allele CA603974.